The following is an entry in ClinVar:

NM_001367624.2(ZNF469):c.3063G>C (p.Glu1021Asp)

Gene: ZNF469 (zinc finger protein 469; plus strand). Cytogenetic location: 16q24.2.
Variant type: single nucleotide variant.
Coding change: c.3063G>C on transcript NM_001367624.2 (MANE Select); coding-DNA position 3063, G replaced by C.
Protein change: p.Glu1021Asp; replaces glutamic acid 1021 with aspartic acid.
Molecular consequence: missense variant.
Genome position (GRCh38, 1-based): chr16:88,430,533, G>C. VCF-style: chr16-88430533-G-C. GRCh37 (hg19) VCF-style: chr16-88496941-G-C.
Other names: NM_001127464.1:c.3063G>C; short protein forms E1021D.
Identifiers: ClinVar variation 1799398 (VCV001799398.2), dbSNP rs1906080754, ClinGen allele CA397077157.

ClinVar aggregate classification (germline): Uncertain significance (1 of 4 stars; one submission).

Conditions:
Cardiovascular phenotype. Identifiers: MedGen CN230736.

Allele frequency attached by ClinVar (database versions not stated): TOPMed below 0.00001.

Submission:

Ambry Genetics
Classification: Uncertain significance for Cardiovascular phenotype. Last evaluated: 2022-01-11. Review status: criteria provided, single submitter. Criteria: Ambry Variant Classification Scheme 2023. Collection method: clinical testing. Allele origin: germline.
Comment: The p.E1021D variant (also known as c.3063G>C), located in coding exon 1 of the ZNF469 gene, results from a G to C substitution at nucleotide position 3063. The glutamic acid at codon 1021 is replaced by aspartic acid, an amino acid with highly similar properties. This amino acid position is conserved. In addition, this alteration is predicted to be tolerated by in silico analysis. Since supporting evidence is limited at this time, the clinical significance of this alteration remains unclear.